The following is an entry in ClinVar:

ClinVar aggregate classification (germline): Uncertain significance. Review status: criteria provided, multiple submitters, no conflicts (2 of 4 stars). 2 submissions from 2 submitters: Uncertain significance (2). Last evaluated 2024-06-04.

Conditions:
Atypical hemolytic-uremic syndrome with C3 anomaly. Also called: AHUS, SUSCEPTIBILITY TO, 5. Identifiers: Orphanet 2134, MedGen C2752037, MONDO:0013043, OMIM 612925.
Age related macular degeneration 9. Identifiers: MedGen C1969651, MONDO:0012659, OMIM 611378.
Complement component 3 deficiency. Identifiers: Orphanet 280133, MedGen C3151071, MONDO:0013417, OMIM 613779.

gnomAD v4.1: 1 of 1,613,966 alleles (0.000062%); highest among the groups gnomAD compares: Non-Finnish European, 0.000085%; no homozygotes.

Submissions (2):

Fulgent Genetics
Classification: Uncertain significance for Age related macular degeneration 9; Atypical hemolytic-uremic syndrome with C3 anomaly; Complement component 3 deficiency. Last evaluated: 2024-06-04. Review status: criteria provided, single submitter. Criteria: ACMG Guidelines, 2015. Collection method: clinical testing. Allele origin: germline.

Labcorp Genetics (formerly Invitae), Labcorp
Classification: Uncertain significance. Last evaluated: 2024-04-11. Review status: criteria provided, single submitter. Criteria: Invitae Variant Classification Sherloc (09022015). Collection method: clinical testing. Allele origin: germline.
Comment: This sequence change replaces aspartic acid, which is acidic and polar, with histidine, which is basic and polar, at codon 1625 of the C3 protein (p.Asp1625His). This variant is not present in population databases (gnomAD no frequency). This variant has not been reported in the literature in individuals affected with C3-related conditions. Advanced modeling of protein sequence and biophysical properties (such as structural, functional, and spatial information, amino acid conservation, physicochemical variation, residue mobility, and thermodynamic stability) performed at Invitae indicates that this missense variant is not expected to disrupt C3 protein function with a negative predictive value of 80%. In summary, the available evidence is currently insufficient to determine the role of this variant in disease. Therefore, it has been classified as a Variant of Uncertain Significance.

NM_000064.4(C3):c.4873G>C (p.Asp1625His)

Gene: C3 (complement C3; minus strand). Cytogenetic location: 19p13.3.
Variant type: single nucleotide variant.
Coding change: c.4873G>C on transcript NM_000064.4 (MANE Select); coding-DNA position 4873, G replaced by C.
Protein change: p.Asp1625His; replaces aspartic acid 1625 with histidine.
Molecular consequence: missense variant.
Genome position (GRCh38, 1-based): chr19:6,678,001, C>G on the plus strand (G>C on the coding strand, the complement: C3 is on the minus strand). VCF-style: chr19-6678001-C-G. GRCh37 (hg19) VCF-style: chr19-6678012-C-G.
Other names: short protein forms D1625H.
Identifiers: ClinVar variation 3584073 (VCV003584073.3).
Genomic context (GRCh38, chr19:6,678,001, plus strand): 5'-GTTTCTGGTTCTCTTCGTCTTGGCATTCGTCCTCCTCGGGCCAGTGCTCCACCCAAGTGT[C>G]CTTCCCGATGATGTAGCTGAGGCTGGAGGGAAGAATGGCAGGTCAGGAAGGGGCGTGGTG-3'
Protein context (NP_000055.2, residues 1615-1635): KPNLSYIIGK[Asp1625His]TWVEHWPEED